The following is an entry in ClinVar:

ClinVar aggregate classification (germline): Uncertain significance (1 of 4 stars; one submission).

Conditions:
Autosomal recessive limb-girdle muscular dystrophy type 2U. Also called: MUSCULAR DYSTROPHY, LIMB-GIRDLE, TYPE 2U; Muscular dystrophy-dystroglycanopathy (limb-girdle), type c, 7. Identifiers: Orphanet 352479, MedGen C5190987, MONDO:0014474, OMIM 616052.
Muscular dystrophy-dystroglycanopathy (congenital with brain and eye anomalies), type A, 7. Also called: WALKER-WARBURG SYNDROME OR MUSCLE-EYE-BRAIN DISEASE, ISPD-RELATED; Congenital muscular dystrophy-dystroglycanopathy with brain and eye anomalies, type A7. Identifiers: Orphanet 899, MedGen C3553330, MONDO:0013835, OMIM 614643.

Submission:

Labcorp Genetics (formerly Invitae), Labcorp
Classification: Uncertain significance for Muscular dystrophy-dystroglycanopathy (congenital with brain and eye anomalies), type A, 7; Autosomal recessive limb-girdle muscular dystrophy type 2U. Last evaluated: 2025-02-24. Review status: criteria provided, single submitter. Criteria: Invitae Variant Classification Sherloc (09022015). Collection method: clinical testing. Allele origin: germline.
Comment: This variant, c.21_44del, results in the deletion of 8 amino acid(s) of the ISPD protein (p.Ser8_Gly15del), but otherwise preserves the integrity of the reading frame. This variant is not present in population databases (gnomAD no frequency). This variant has not been reported in the literature in individuals affected with ISPD-related conditions. ClinVar contains an entry for this variant (Variation ID: 1969678). Experimental studies and prediction algorithms are not available or were not evaluated, and the functional significance of this variant is currently unknown. In summary, the available evidence is currently insufficient to determine the role of this variant in disease. Therefore, it has been classified as a Variant of Uncertain Significance.

NM_001101426.4(CRPPA):c.21_44del (p.Ser8_Gly15del)

Genes: CRPPA (CDP-L-ribitol pyrophosphorylase A; minus strand), LOC129998005 (ATAC-STARR-seq lymphoblastoid silent region 17982; plus strand). Cytogenetic location: 7p21.2.
Variant type: Deletion.
Coding change: c.21_44del on transcript NM_001101426.4 (MANE Select); coding-DNA positions 21 to 44, 24 bases deleted (CAGCGCCAGGCCGGCGGAGCCGGG).
Protein change: p.Ser8_Gly15del.
Molecular consequence: inframe deletion. On other transcripts: non-coding transcript variant (1).
Genome position (GRCh38, 1-based): chr7:16,421,279-16,421,302, CCCGGCTCCGCCGGCCTGGCGCTG deleted on the plus strand (CAGCGCCAGGCCGGCGGAGCCGGG on the coding strand, the reverse complement: CRPPA is on the minus strand); deleting any 24 consecutive bases within chr7:16,421,279-16,421,308 gives the same sequence; the c. name uses the placement nearest the transcript's 3' end. VCF-style (leftmost placement, unchanged base first): chr7-16421278-ACCCGGCTCCGCCGGCCTGGCGCTG-A. GRCh37 (hg19) VCF-style: chr7-16460903-ACCCGGCTCCGCCGGCCTGGCGCTG-A.
Other names: c.21_44del, p.Ser8_Gly15del (NM_001101417.4, NM_001368197.1).
Identifiers: ClinVar variation 1969678 (VCV001969678.5), dbSNP rs1446694375, ClinGen allele CA836138941.
Genomic context (GRCh38, chr7:16,421,278, plus strand): 5'-CACGCTCTGCAGGGAGGCGGAAGCCGTGTGGTCCGCGCCGCGCTGACCACTCAGGCAAGG[ACCCGGCTCCGCCGGCCTGGCGCTG>A]CCCGGCGGCCCGGCCTCCATGGCTGCGGGCGGAACGGCGAGCCCCGCTAGCCTCGGGCCG-3'